The following is an entry in ClinVar:

ClinVar aggregate classification (germline): Uncertain significance. Review status: criteria provided, multiple submitters, no conflicts (2 of 4 stars). 2 submissions from 2 submitters: Uncertain significance (2). Last evaluated 2025-03-18.

Conditions:
Nemaline myopathy 2 (NEM2). Also called: Nemaline myopathy 2, autosomal recessive. Identifiers: MedGen C1850569, MONDO:0009725, OMIM 256030.
Inborn genetic diseases. Identifiers: MedGen C0950123, MeSH D030342.

gnomAD v4.1: 3 of 1,597,724 alleles (0.00019%); highest among the groups gnomAD compares: African/African-American, 0.004%; no homozygotes.

Submissions (2):

Labcorp Genetics (formerly Invitae), Labcorp
Classification: Uncertain significance for Nemaline myopathy 2. Last evaluated: 2025-03-18. Review status: criteria provided, single submitter. Criteria: Invitae Variant Classification Sherloc (09022015). Collection method: clinical testing. Allele origin: germline.
Comment: This sequence change replaces leucine, which is neutral and non-polar, with valine, which is neutral and non-polar, at codon 732 of the NEB protein (p.Leu732Val). This variant is not present in population databases (gnomAD no frequency). This variant has not been reported in the literature in individuals affected with NEB-related conditions. ClinVar contains an entry for this variant (Variation ID: 3299094). Experimental studies and prediction algorithms are not available or were not evaluated, and the functional significance of this variant is currently unknown. In summary, the available evidence is currently insufficient to determine the role of this variant in disease. Therefore, it has been classified as a Variant of Uncertain Significance.

Ambry Genetics
Classification: Uncertain significance for Inborn genetic diseases. Last evaluated: 2024-03-18. Review status: criteria provided, single submitter. Criteria: Ambry Variant Classification Scheme 2023. Collection method: clinical testing. Allele origin: germline.

NM_001164508.2(NEB):c.2194C>G (p.Leu732Val)

Gene: NEB (nebulin; minus strand). Cytogenetic location: 2q23.3.
Variant type: single nucleotide variant.
Coding change: c.2194C>G on transcript NM_001164508.2 (MANE Select); coding-DNA position 2194, C replaced by G.
Protein change: p.Leu732Val; replaces leucine 732 with valine.
Molecular consequence: missense variant.
Genome position (GRCh38, 1-based): chr2:151,691,881, G>C on the plus strand (C>G on the coding strand, the complement: NEB is on the minus strand). VCF-style: chr2-151691881-G-C. GRCh37 (hg19) VCF-style: chr2-152548395-G-C.
Other names: c.2194C>G, p.Leu732Val (NM_001164507.2, NM_001271208.2, NM_004543.5); short protein forms L732V.
Identifiers: ClinVar variation 3299094 (VCV003299094.2).